The following is an entry in ClinVar:

ClinVar aggregate classification (germline): Conflicting classifications of pathogenicity. Review status: criteria provided, conflicting classifications (1 of 4 stars). 3 submissions from 3 submitters: Likely pathogenic (1); Uncertain significance (2). Last evaluated 2025-12-11.

Conditions:
Enterokinase deficiency. Also called: Congenital enteropathy due to enteropeptidase deficiency; ENTEROPEPTIDASE DEFICIENCY; Deficiency of enteropeptidase. Identifiers: Orphanet 168601, MedGen C0268416, MONDO:0009173, OMIM 226200.

Allele frequency attached by ClinVar (database versions not stated): ExAC 0.00004; gnomAD exomes 0.00006; ESP Exome Variant Server 0.00008.
gnomAD v4.1: 86 of 1,610,230 alleles (0.0053%); highest among the groups gnomAD compares: Non-Finnish European, 0.007%; no homozygotes.

Submissions (3):

Ambry Genetics
Classification: Uncertain significance. Last evaluated: 2025-12-11. Review status: criteria provided, single submitter. Criteria: Ambry Variant Classification Scheme 2023. Collection method: clinical testing. Allele origin: germline.

Aleixo Muise Laboratory, Hospital For Sick Children
Classification: Likely pathogenic for Enterokinase deficiency. Last evaluated: 2024-07-05. Review status: criteria provided, single submitter. Criteria: ACMG Guidelines, 2015. Collection method: research. Allele origin: germline. Affected: yes. Observed: 1 variant allele.
Comment: PM2;PM3;PP3;PP4

Labcorp Genetics (formerly Invitae), Labcorp
Classification: Uncertain significance. Last evaluated: 2022-08-21. Review status: criteria provided, single submitter. Criteria: Invitae Variant Classification Sherloc (09022015). Collection method: clinical testing. Allele origin: germline.
Comment: This sequence change replaces asparagine, which is neutral and polar, with serine, which is neutral and polar, at codon 346 of the TMPRSS15 protein (p.Asn346Ser). This variant is present in population databases (rs201542054, gnomAD 0.006%). This variant has not been reported in the literature in individuals affected with TMPRSS15-related conditions. Algorithms developed to predict the effect of missense changes on protein structure and function are either unavailable or do not agree on the potential impact of this missense change (SIFT: "Not Available"; PolyPhen-2: "Benign"; Align-GVGD: "Not Available"). In summary, the available evidence is currently insufficient to determine the role of this variant in disease. Therefore, it has been classified as a Variant of Uncertain Significance.

NM_002772.3(TMPRSS15):c.1037A>G (p.Asn346Ser)

Gene: TMPRSS15 (transmembrane serine protease 15; minus strand). Cytogenetic location: 21q21.1.
Variant type: single nucleotide variant.
Coding change: c.1037A>G on transcript NM_002772.3 (MANE Select); coding-DNA position 1037, A replaced by G.
Protein change: p.Asn346Ser; replaces asparagine 346 with serine.
Molecular consequence: missense variant.
Genome position (GRCh38, 1-based): chr21:18,353,037, T>C on the plus strand (A>G on the coding strand, the complement: TMPRSS15 is on the minus strand). VCF-style: chr21-18353037-T-C. GRCh37 (hg19) VCF-style: chr21-19725354-T-C.
Other names: c.1037A>G (NM_002772.2); short protein forms N346S.
Identifiers: ClinVar variation 2207289 (VCV002207289.7), dbSNP rs201542054, ClinGen allele CA9984564.